The following is an entry in ClinVar:

NM_002847.5(PTPRN2):c.3045G>T (p.Gln1015His)

Gene: PTPRN2 (protein tyrosine phosphatase receptor type N2; minus strand). Cytogenetic location: 7q36.3.
Variant type: single nucleotide variant.
Coding change: c.3045G>T on transcript NM_002847.5 (MANE Select); coding-DNA position 3045, G replaced by T.
Protein change: p.Gln1015His; replaces glutamine 1015 with histidine.
Molecular consequence: missense variant.
Genome position (GRCh38, 1-based): chr7:157,540,717, C>A on the plus strand (G>T on the coding strand, the complement: PTPRN2 is on the minus strand). VCF-style: chr7-157540717-C-A. GRCh37 (hg19) VCF-style: chr7-157333411-C-A.
Other names: c.2931G>T, p.Gln977His (NM_001308267.2); c.3114G>T, p.Gln1038His (NM_001308268.2); c.2994G>T, p.Gln998His (NM_130842.4); c.2958G>T, p.Gln986His (NM_130843.4); short protein forms Q1015H, Q977H, Q998H, Q1038H, Q986H.
Identifiers: ClinVar variation 774459 (VCV000774459.29), dbSNP rs61757813, ClinGen allele CA4590741.

ClinVar aggregate classification (germline): Benign. Review status: criteria provided, multiple submitters, no conflicts (2 of 4 stars). 3 submissions from 3 submitters: Benign (3). Last evaluated 2023-10-01.

Allele frequency attached by ClinVar (database versions not stated): 1000 Genomes Project 0.00200; 1000 Genomes Project 30x 0.00281; gnomAD exomes 0.00604 and 0.00999; gnomAD 0.00638 and 0.00664; TOPMed 0.00645; ESP Exome Variant Server 0.00833; ExAC 0.00848.
gnomAD v4.1: 14,914 of 1,561,220 alleles (0.96%); highest among the groups gnomAD compares: Non-Finnish European, 1.2%; 93 homozygotes.

Submissions (3):

CeGaT Center for Human Genetics Tuebingen
Classification: Benign. Last evaluated: 2023-10-01. Review status: criteria provided, single submitter. Criteria: CeGaT Center For Human Genetics Tuebingen Variant Classification Criteria Version 2. Collection method: clinical testing. Allele origin: germline. Affected: yes. Observed: 1 variant allele.
Comment: PTPRN2: BS1, BS2

Labcorp Genetics (formerly Invitae), Labcorp
Classification: Benign. Last evaluated: 2019-12-31. Review status: criteria provided, single submitter. Criteria: Invitae Variant Classification Sherloc (09022015). Collection method: clinical testing. Allele origin: germline.

Breakthrough Genomics
Classification: Benign. Review status: criteria provided, single submitter. Criteria: ACMG Guidelines, 2015. Collection method: not provided. Allele origin: germline. Inheritance: Unknown mechanism. Affected: yes.